The following is an entry in ClinVar:

NM_002775.5(HTRA1):c.187G>T (p.Gly63Cys)

Gene: HTRA1 (HtrA serine peptidase 1; plus strand). Cytogenetic location: 10q26.13.
Variant type: single nucleotide variant.
Coding change: c.187G>T on transcript NM_002775.5 (MANE Select); coding-DNA position 187, G replaced by T.
Protein change: p.Gly63Cys; replaces glycine 63 with cysteine.
Molecular consequence: missense variant.
Genome position (GRCh38, 1-based): chr10:122,461,839, G>T. VCF-style: chr10-122461839-G-T. GRCh37 (hg19) VCF-style: chr10-124221355-G-T.
Other names: p.Gly63Cys; c.187G>T (NM_002775.4); short protein forms G63C.
Identifiers: ClinVar variation 1956229 (VCV001956229.7), dbSNP rs921692583, ClinGen allele CA214415291.

ClinVar aggregate classification (germline): Uncertain significance. Review status: criteria provided, multiple submitters, no conflicts (2 of 4 stars). 3 submissions from 3 submitters: Uncertain significance (3). Last evaluated 2026-01-05.

Conditions:
Inborn genetic diseases. Identifiers: MedGen C0950123, MeSH D030342.

Allele frequency attached by ClinVar (database versions not stated): TOPMed 0.00002; gnomAD 0.00002.

Submissions (3):

Labcorp Genetics (formerly Invitae), Labcorp
Classification: Uncertain significance. Last evaluated: 2026-01-05. Review status: criteria provided, single submitter. Criteria: Invitae Variant Classification Sherloc (09022015). Collection method: clinical testing. Allele origin: germline.
Comment: This sequence change replaces glycine, which is neutral and non-polar, with cysteine, which is neutral and slightly polar, at codon 63 of the HTRA1 protein (p.Gly63Cys). This variant is present in population databases (no rsID available, gnomAD 0.01%). This variant has not been reported in the literature in individuals affected with HTRA1-related conditions. ClinVar contains an entry for this variant (Variation ID: 1956229). Invitae Evidence Modeling of protein sequence and biophysical properties (such as structural, functional, and spatial information, amino acid conservation, physicochemical variation, residue mobility, and thermodynamic stability) indicates that this missense variant is expected to disrupt HTRA1 protein function with a positive predictive value of 95%. In summary, the available evidence is currently insufficient to determine the role of this variant in disease. Therefore, it has been classified as a Variant of Uncertain Significance.

Ambry Genetics
Classification: Uncertain significance for Inborn genetic diseases. Last evaluated: 2025-04-25. Review status: criteria provided, single submitter. Criteria: Ambry Variant Classification Scheme 2023. Collection method: clinical testing. Allele origin: germline.

Mayo Clinic Laboratories, Mayo Clinic
Classification: Uncertain significance. Last evaluated: 2024-07-18. Review status: criteria provided, single submitter. Criteria: ACMG Guidelines, 2015. Collection method: clinical testing. Allele origin: germline. Observed: 1 variant allele.